The following is an entry in ClinVar:

ClinVar aggregate classification (germline): Uncertain significance (1 of 4 stars; one submission).

Allele frequency attached by ClinVar (database versions not stated): TOPMed 0.00001.
gnomAD v4.1: 14 of 1,604,918 alleles (0.00087%); highest among the groups gnomAD compares: East Asian, 0.0022%; no homozygotes.

Submission:

Labcorp Genetics (formerly Invitae), Labcorp
Classification: Uncertain significance. Last evaluated: 2025-08-24. Review status: criteria provided, single submitter. Criteria: Invitae Variant Classification Sherloc (09022015). Collection method: clinical testing. Allele origin: germline.
Comment: This sequence change replaces histidine, which is basic and polar, with glutamine, which is neutral and polar, at codon 911 of the PITPNM3 protein (p.His911Gln). The frequency data for this variant in the population databases is considered unreliable, as metrics indicate poor data quality at this position in the gnomAD database. This variant has not been reported in the literature in individuals affected with PITPNM3-related conditions. ClinVar contains an entry for this variant (Variation ID: 1524318). Invitae Evidence Modeling of protein sequence and biophysical properties (such as structural, functional, and spatial information, amino acid conservation, physicochemical variation, residue mobility, and thermodynamic stability) indicates that this missense variant is not expected to disrupt PITPNM3 protein function with a negative predictive value of 80%. In summary, the available evidence is currently insufficient to determine the role of this variant in disease. Therefore, it has been classified as a Variant of Uncertain Significance.

NM_031220.4(PITPNM3):c.2733C>A (p.His911Gln)

Gene: PITPNM3 (PITPNM family member 3; minus strand). Cytogenetic location: 17p13.2.
Variant type: single nucleotide variant.
Coding change: c.2733C>A on transcript NM_031220.4 (MANE Select); coding-DNA position 2733, C replaced by A.
Protein change: p.His911Gln; replaces histidine 911 with glutamine.
Molecular consequence: missense variant.
Genome position (GRCh38, 1-based): chr17:6,455,530, G>T on the plus strand (C>A on the coding strand, the complement: PITPNM3 is on the minus strand). VCF-style: chr17-6455530-G-T. GRCh37 (hg19) VCF-style: chr17-6358850-G-T.
Other names: c.2625C>A, p.His875Gln (NM_001165966.2); short protein forms H875Q, H911Q.
Identifiers: ClinVar variation 1524318 (VCV001524318.6), dbSNP rs1474061486, ClinGen allele CA397400427.